The following is an entry in ClinVar:

NM_001370959.1(POU6F2):c.1284G>A (p.Gln428=)

Gene: POU6F2 (POU class 6 homeobox 2; plus strand). Cytogenetic location: 7p14.1.
Variant type: single nucleotide variant.
Coding change: c.1284G>A on transcript NM_001370959.1 (MANE Select); coding-DNA position 1284, G replaced by A.
Protein change: p.Gln428=; no amino-acid change (glutamine 428 retained).
Molecular consequence: synonymous variant.
Genome position (GRCh38, 1-based): chr7:39,433,247, G>A. VCF-style: chr7-39433247-G-A. GRCh37 (hg19) VCF-style: chr7-39472846-G-A.
Other names: c.1197G>A, p.Gln399= (NM_001166018.2, NM_007252.4).
Identifiers: ClinVar variation 3059450 (VCV003059450.2), dbSNP rs2302122, ClinGen allele CA4227766.

ClinVar aggregate classification (germline): Benign (0 of 4 stars; one submission).

Conditions:
POU6F2-related disorder. Also called: POU6F2-related condition.

Allele frequency attached by ClinVar (database versions not stated): ExAC 0.28703; gnomAD 0.29288; TOPMed 0.29959; gnomAD exomes 0.26368; ESP Exome Variant Server 0.28502; 1000 Genomes Project 30x 0.31808; 1000 Genomes Project 0.32129.
gnomAD v4.1: 430,659 of 1,613,560 alleles (27%); highest among the groups gnomAD compares: East Asian, 50%; 59,653 homozygotes.

Submission:

PreventionGenetics, part of Exact Sciences
Classification: Benign for POU6F2-related condition. Last evaluated: 2019-10-21. Review status: no assertion criteria provided. Collection method: clinical testing. Allele origin: germline.
Comment: This variant is classified as benign based on ACMG/AMP sequence variant interpretation guidelines (Richards et al. 2015 PMID: 25741868, with internal and published modifications).